The following is an entry in ClinVar:

ClinVar aggregate classification (germline): Likely benign. Review status: criteria provided, single submitter (1 of 4 stars). 2 submissions from 2 submitters: Likely benign (1). 1 of the submissions does not count toward it. Last evaluated 2024-11-27.

Conditions:
LIPI-related disorder. Also called: LIPI-related condition.

Allele frequency attached by ClinVar (database versions not stated): ExAC 0.00070; 1000 Genomes Project 0.00160; 1000 Genomes Project 30x 0.00203; TOPMed 0.00290; gnomAD 0.00310; gnomAD exomes 0.00462.
gnomAD v4.1: 4,994 of 1,130,266 alleles (0.44%); highest among the groups gnomAD compares: Non-Finnish European, 0.53%; 11 homozygotes.

Submissions (2):

Blueprint Genetics
Classification: Likely benign. Last evaluated: 2024-11-27. Review status: criteria provided, single submitter. Criteria: ACMG Guidelines, 2015. Collection method: clinical testing. Allele origin: germline.

PreventionGenetics, part of Exact Sciences
Classification: Likely benign for LIPI-related condition. Last evaluated: 2019-05-30. Review status: no assertion criteria provided. Collection method: clinical testing. Allele origin: germline. Not counted in ClinVar's aggregate classification.
Comment: This variant is classified as likely benign based on ACMG/AMP sequence variant interpretation guidelines (Richards et al. 2015 PMID: 25741868, with internal and published modifications).

NM_001302998.2(LIPI):c.46+7T>G

Gene: LIPI (lipase I; minus strand). Cytogenetic location: 21q11.2.
Variant type: single nucleotide variant.
Coding change: c.46+7T>G on transcript NM_001302998.2 (MANE Select); 7 bases into the intron after coding-DNA position 46, T replaced by G.
Molecular consequence: intron variant.
Genome position (GRCh38, 1-based): chr21:14,210,793, A>C on the plus strand (T>G on the coding strand, the complement: LIPI is on the minus strand). VCF-style: chr21-14210793-A-C. GRCh37 (hg19) VCF-style: chr21-15583114-A-C.
Other names: c.46+7T>G (NM_001379566.1, NM_001302999.2, NM_001379565.1 and 2 more transcripts).
Identifiers: ClinVar variation 3043668 (VCV003043668.3), dbSNP rs188802476, ClinGen allele CA9979807.